The following is an entry in ClinVar:

ClinVar aggregate classification (germline): Uncertain significance (1 of 4 stars; one submission).

Submission:

GeneDx
Classification: Uncertain significance. Last evaluated: 2024-10-07. Review status: criteria provided, single submitter. Criteria: GeneDx Variant Classification Process June 2021. Collection method: clinical testing. Allele origin: germline. Affected: yes.
Comment: In-frame deletion of 6 amino acids in a non-repeat region; In silico analysis indicates that this variant does not alter protein structure/function; Has not been previously published as pathogenic or benign to our knowledge

NM_001394372.1(BICRA):c.1932_1949del (p.Gln645_Ala650del)

Gene: BICRA (BRD4 interacting chromatin remodeling complex associated protein; plus strand). Cytogenetic location: 19q13.33.
Variant type: Deletion.
Coding change: c.1932_1949del on transcript NM_001394372.1 (MANE Select); coding-DNA positions 1932 to 1949, 18 bases deleted (GCAGCAGCCCCCGCAGGC).
Protein change: p.Gln645_Ala650del.
Molecular consequence: inframe deletion.
Genome position (GRCh38, 1-based): chr19:47,681,102-47,681,119, GCAGCAGCCCCCGCAGGC deleted; deleting any 18 consecutive bases within chr19:47,681,094-47,681,119 gives the same sequence; the c. name uses the placement nearest the transcript's 3' end. VCF-style (leftmost placement, unchanged base first): chr19-47681093-GCCGCAGGCGCAGCAGCCC-G. GRCh37 (hg19) VCF-style: chr19-48184350-GCCGCAGGCGCAGCAGCCC-G.
Other names: c.1932_1949del, p.Gln645_Ala650del (NM_015711.3).
Identifiers: ClinVar variation 3776317 (VCV003776317.1).